The following is an entry in ClinVar:

ClinVar aggregate classification (germline): Benign (1 of 4 stars; one submission).

Allele frequency attached by ClinVar (database versions not stated): 1000 Genomes Project 0.11701; TOPMed 0.13206; gnomAD 0.13722 and 0.13877; gnomAD exomes 0.13961.

Submission:

GeneDx
Classification: Benign. Last evaluated: 2018-06-16. Review status: criteria provided, single submitter. Criteria: GeneDx Variant Classification (06012015). Collection method: clinical testing. Allele origin: germline. Affected: yes.
Comment: This variant is considered likely benign or benign based on one or more of the following criteria: it is a conservative change, it occurs at a poorly conserved position in the protein, it is predicted to be benign by multiple in silico algorithms, and/or has population frequency not consistent with disease.

NM_001184.4(ATR):c.1170+150_1170+151insA

Gene: ATR (ATR checkpoint kinase; minus strand). Cytogenetic location: 3q23.
Variant type: Insertion.
Coding change: c.1170+150_1170+151insA on transcript NM_001184.4 (MANE Select); bases 150 to 151 of the intron after coding-DNA position 1170, A inserted.
Molecular consequence: intron variant.
Genome position: GRCh38 VCF-style: chr3-142562081-G-GT. GRCh37 (hg19) VCF-style: chr3-142280923-G-GT.
Other names: c.1170+150_1170+151insA (NM_001354579.2).
Identifiers: ClinVar variation 680033 (VCV000680033.1), dbSNP rs200943610, ClinGen allele CA84755357.